The following is an entry in ClinVar:

ClinVar aggregate classification (germline): Uncertain significance (1 of 4 stars; one submission).

Conditions:
Episodic kinesigenic dyskinesia (EKD). Also called: Paroxysmal kinesigenic dyskinesia. Identifiers: Orphanet 98809, MedGen C1868682, MONDO:0044202.

Submission:

Labcorp Genetics (formerly Invitae), Labcorp
Classification: Uncertain significance for Episodic kinesigenic dyskinesia. Last evaluated: 2025-11-29. Review status: criteria provided, single submitter. Criteria: Invitae Variant Classification Sherloc (09022015). Collection method: clinical testing. Allele origin: germline.
Comment: This sequence change affects the initiator codon of the PRRT2 mRNA. This change may impact translation initiation or efficiency. The next in-frame methionine is located at codon 11. This variant is present in population databases (no rsID available, gnomAD 0.003%). This variant has not been reported in the literature in individuals affected with PRRT2-related conditions. Experimental studies and prediction algorithms are not available or were not evaluated, and the functional significance of this variant is currently unknown. In summary, the available evidence is currently insufficient to determine the role of this variant in disease. Therefore, it has been classified as a Variant of Uncertain Significance.

NM_145239.3(PRRT2):c.2T>C (p.Met1Thr)

Genes: MVP-DT (MVP divergent transcript; minus strand), PRRT2 (proline rich transmembrane protein 2; plus strand). Cytogenetic location: 16p11.2.
Variant type: single nucleotide variant.
Coding change: c.2T>C on transcript NM_145239.3 (MANE Select); coding-DNA position 2, T replaced by C.
Protein change: p.Met1Thr; changes the start codon (methionine 1).
Molecular consequence: missense variant, initiator codon variant.
Genome position (GRCh38, 1-based): chr16:29,813,056, T>C. VCF-style: chr16-29813056-T-C. GRCh37 (hg19) VCF-style: chr16-29824377-T-C.
Other names: c.2T>C, p.Met1Thr (NM_001256442.2, NM_001256443.2, NM_001438120.1 and 2 more transcripts); short protein forms M1T.
Identifiers: ClinVar variation 4802951 (VCV004802951.1).